The following is an entry in ClinVar:

ClinVar aggregate classification (germline): Uncertain significance. Review status: criteria provided, multiple submitters, no conflicts (2 of 4 stars). 3 submissions from 3 submitters: Uncertain significance (3). Last evaluated 2025-09-29.

Conditions:
RYR1-related disorder. Also called: RYR1-related disorders; RYR1-related condition. Identifiers: MedGen CN239331.
Malignant hyperthermia, susceptibility to, 1 (MHS1). Also called: RYR1-Related Malignant Hyperthermia Susceptibility; Malignant hyperthermia suceptibility 1; Anesthesia related hyperthermia; Malignant hyperpyrexia; Fulminating hyperpyrexia; Pharmacogenic myopathy. Identifiers: Orphanet 423, MedGen C2930980, MONDO:0007783, OMIM 145600.

Allele frequency attached by ClinVar (database versions not stated): ExAC 0.00001; TOPMed 0.00002; gnomAD 0.00003.
gnomAD v4.1: 18 of 1,614,052 alleles (0.0011%); highest among the groups gnomAD compares: East Asian, 0.016%; no homozygotes.

Submissions (3):

Color Diagnostics, LLC DBA Color Health
Classification: Uncertain significance for Malignant hyperthermia, susceptibility to, 1. Last evaluated: 2025-09-29. Review status: criteria provided, single submitter. Criteria: ACMG Guidelines, 2015. Collection method: clinical testing. Allele origin: germline.
Comment: This missense variant replaces arginine with cysteine at codon 3073 of the RYR1 protein. Computational prediction suggests that this variant may have deleterious impact on protein structure and function. To our knowledge, functional studies have not been reported for this variant. This variant has not been reported in individuals affected with RYR1-related disorders in the literature. This variant has not been identified in the general population by the Genome Aggregation Database (gnomAD). The available evidence is insufficient to determine the role of this variant in disease conclusively. Therefore, this variant is classified as a Variant of Uncertain Significance.

Labcorp Genetics (formerly Invitae), Labcorp
Classification: Uncertain significance for RYR1-related disorder. Last evaluated: 2025-07-31. Review status: criteria provided, single submitter. Criteria: Invitae Variant Classification Sherloc (09022015). Collection method: clinical testing. Allele origin: germline.
Comment: This sequence change replaces arginine, which is basic and polar, with cysteine, which is neutral and slightly polar, at codon 3073 of the RYR1 protein (p.Arg3073Cys). The frequency data for this variant in the population databases is considered unreliable, as metrics indicate poor data quality at this position in the gnomAD database. This variant has not been reported in the literature in individuals affected with RYR1-related conditions. ClinVar contains an entry for this variant (Variation ID: 2196398). Invitae Evidence Modeling of protein sequence and biophysical properties (such as structural, functional, and spatial information, amino acid conservation, physicochemical variation, residue mobility, and thermodynamic stability) indicates that this missense variant is not expected to disrupt RYR1 protein function with a negative predictive value of 80%. In summary, the available evidence is currently insufficient to determine the role of this variant in disease. Therefore, it has been classified as a Variant of Uncertain Significance.

All of Us Research Program, National Institutes of Health
Classification: Uncertain significance for Malignant hyperthermia, susceptibility to, 1. Last evaluated: 2024-02-05. Review status: criteria provided, single submitter. Criteria: ACMG Guidelines, 2015. Collection method: clinical testing. Allele origin: germline. Inheritance: Autosomal dominant inheritance. Observed: 3 variant alleles, 3 heterozygotes.
Comment: This missense variant replaces arginine with cysteine at codon 3073 of the RYR1 protein. Computational prediction suggests that this variant may have deleterious impact on protein structure and function (internally defined REVEL score threshold >= 0.7, PMID: 27666373). To our knowledge, functional studies have not been reported for this variant. This variant has not been reported in individuals affected with RYR1-related disorders in the literature. This variant has not been identified in the general population by the Genome Aggregation Database (gnomAD). The available evidence is insufficient to determine the role of this variant in disease conclusively. Therefore, this variant is classified as a Variant of Uncertain Significance.

This study involves interpretation of variants in research participants for the purpose of population health screening. Participant phenotype was not available at the time of variant classification. Additional details can be found in publication PMID: 35346344, PMCID: PMC8962531

NM_000540.3(RYR1):c.9217C>T (p.Arg3073Cys)

Gene: RYR1 (ryanodine receptor 1; plus strand). Cytogenetic location: 19q13.2.
Variant type: single nucleotide variant.
Coding change: c.9217C>T on transcript NM_000540.3 (MANE Select); coding-DNA position 9217, C replaced by T.
Protein change: p.Arg3073Cys; replaces arginine 3073 with cysteine.
Molecular consequence: missense variant.
Genome position (GRCh38, 1-based): chr19:38,512,116, C>T. VCF-style: chr19-38512116-C-T. GRCh37 (hg19) VCF-style: chr19-39002756-C-T.
Other names: c.9217C>T, p.Arg3073Cys (NM_001042723.2); short protein forms R3073C.
Identifiers: ClinVar variation 2196398 (VCV002196398.6), dbSNP rs757245142, ClinGen allele CA073360.